The following is an entry in ClinVar:

ClinVar aggregate classification (germline): Uncertain significance (1 of 4 stars; one submission).

Conditions:
Familial thoracic aortic aneurysm and aortic dissection (TAAD). Also called: Thoracic aortic aneurysms and dissections. Identifiers: Orphanet 91387, MedGen C4707243, MONDO:0019625.

Allele frequency attached by ClinVar (database versions not stated): TOPMed below 0.00001; gnomAD 0.00001.
gnomAD v4.1: 1 of 1,614,086 alleles (0.000062%); highest among the groups gnomAD compares: Non-Finnish European, 0.000085%; no homozygotes.

Submission:

Labcorp Genetics (formerly Invitae), Labcorp
Classification: Uncertain significance for Familial thoracic aortic aneurysm and aortic dissection. Last evaluated: 2023-01-02. Review status: criteria provided, single submitter. Criteria: Invitae Variant Classification Sherloc (09022015). Collection method: clinical testing. Allele origin: germline.
Comment: This variant has not been reported in the literature in individuals affected with TGFBR2-related conditions. This variant is not present in population databases (gnomAD no frequency). This sequence change replaces glutamic acid, which is acidic and polar, with aspartic acid, which is acidic and polar, at codon 269 of the TGFBR2 protein (p.Glu269Asp). ClinVar contains an entry for this variant (Variation ID: 1718310). In summary, the available evidence is currently insufficient to determine the role of this variant in disease. Therefore, it has been classified as a Variant of Uncertain Significance. Advanced modeling of protein sequence and biophysical properties (such as structural, functional, and spatial information, amino acid conservation, physicochemical variation, residue mobility, and thermodynamic stability) performed at Invitae indicates that this missense variant is not expected to disrupt TGFBR2 protein function.

NM_003242.6(TGFBR2):c.807G>T (p.Glu269Asp)

Gene: TGFBR2 (transforming growth factor beta receptor 2; plus strand). Cytogenetic location: 3p24.1.
Variant type: single nucleotide variant.
Coding change: c.807G>T on transcript NM_003242.6 (MANE Select); coding-DNA position 807, G replaced by T.
Protein change: p.Glu269Asp; replaces glutamic acid 269 with aspartic acid.
Molecular consequence: missense variant.
Genome position (GRCh38, 1-based): chr3:30,671,990, G>T. VCF-style: chr3-30671990-G-T. GRCh37 (hg19) VCF-style: chr3-30713482-G-T.
Other names: c.882G>T, p.Glu294Asp (NM_001024847.3); c.990G>T, p.Glu330Asp (NM_001407126.1); c.915G>T, p.Glu305Asp (NM_001407127.1); c.834G>T, p.Glu278Asp (NM_001407128.1); c.810G>T, p.Glu270Asp (NM_001407129.1); c.807G>T, p.Glu269Asp (NM_001407130.1); c.702G>T, p.Glu234Asp (NM_001407132.1, NM_001407133.1, NM_001407134.1 and 2 more transcripts); c.522G>T, p.Glu174Asp (NM_001407137.1); and 1 more; short protein forms E149D, E174D, E234D, E269D, E270D, E278D, E294D, E305D.
Identifiers: ClinVar variation 1718310 (VCV001718310.5), dbSNP rs1699347917, ClinGen allele CA351807910.